The following is an entry in ClinVar:

ClinVar aggregate classification (germline): Uncertain significance (1 of 4 stars; one submission).

Submission:

Labcorp Genetics (formerly Invitae), Labcorp
Classification: Uncertain significance. Last evaluated: 2023-02-21. Review status: criteria provided, single submitter. Criteria: Invitae Variant Classification Sherloc (09022015). Collection method: clinical testing. Allele origin: germline.
Comment: This variant is not present in population databases (gnomAD no frequency). In summary, the available evidence is currently insufficient to determine the role of this variant in disease. Therefore, it has been classified as a Variant of Uncertain Significance. Experimental studies and prediction algorithms are not available or were not evaluated, and the functional significance of this variant is currently unknown. This variant has not been reported in the literature in individuals affected with POLE-related conditions. This variant, c.5867_5881del, results in the deletion of 5 amino acid(s) of the POLE protein (p.Glu1956_Asp1960del), but otherwise preserves the integrity of the reading frame.

NM_006231.4(POLE):c.5867_5881del (p.Glu1956_Asp1960del)

Gene: POLE (DNA polymerase epsilon, catalytic subunit; minus strand). Cytogenetic location: 12q24.33.
Variant type: Deletion.
Coding change: c.5867_5881del on transcript NM_006231.4 (MANE Select); coding-DNA positions 5867 to 5881, 15 bases deleted (AGGAGGAAAGAGATG).
Protein change: p.Glu1956_Asp1960del.
Molecular consequence: inframe deletion.
Genome position (GRCh38, 1-based): chr12:132,634,309-132,634,323, CATCTCTTTCCTCCT deleted on the plus strand (AGGAGGAAAGAGATG on the coding strand, the reverse complement: POLE is on the minus strand); deleting any 15 consecutive bases within chr12:132,634,309-132,634,327 gives the same sequence; the c. name uses the placement nearest the transcript's 3' end. VCF-style (leftmost placement, unchanged base first): chr12-132634308-CCATCTCTTTCCTCCT-C. GRCh37 (hg19) VCF-style: chr12-133210894-CCATCTCTTTCCTCCT-C.
Identifiers: ClinVar variation 2920020 (VCV002920020.3), dbSNP rs2541860157, ClinGen allele CA482725794.
Genomic context (GRCh38, chr12:132,634,308, plus strand): 5'-TTCCAGTTGTTTTCCAGTAAATCCTCCACGTTGGATTCCTCCGCCTCTTCCTCCTCCTCC[CCATCTCTTTCCTCCT>C]CATCGTCCTCATTTTCCTGCTCATCCTCTGCTCCCCCTGCTTTCTGGGAGTCTTGCTGTA-3'